The following is an entry in ClinVar:

NM_001845.6(COL4A1):c.3760G>A (p.Gly1254Arg)

Gene: COL4A1 (collagen type IV alpha 1 chain; minus strand). Cytogenetic location: 13q34.
Variant type: single nucleotide variant.
Coding change: c.3760G>A on transcript NM_001845.6 (MANE Select); coding-DNA position 3760, G replaced by A.
Protein change: p.Gly1254Arg; replaces glycine 1254 with arginine.
Molecular consequence: missense variant.
Genome position (GRCh38, 1-based): chr13:110,169,745, C>T on the plus strand (G>A on the coding strand, the complement: COL4A1 is on the minus strand). VCF-style: chr13-110169745-C-T. GRCh37 (hg19) VCF-style: chr13-110822092-C-T.
Other names: short protein forms G1254R.
Identifiers: ClinVar variation 426414 (VCV000426414.11), dbSNP rs1085307614, ClinGen allele CA388662034.

ClinVar aggregate classification (germline): Pathogenic/Likely pathogenic. Review status: criteria provided, multiple submitters, no conflicts (2 of 4 stars). 2 submissions from 2 submitters: Pathogenic (1); Likely pathogenic (1). Last evaluated 2022-08-09.

Submissions (2):

Labcorp Genetics (formerly Invitae), Labcorp
Classification: Likely pathogenic. Last evaluated: 2022-08-09. Review status: criteria provided, single submitter. Criteria: Invitae Variant Classification Sherloc (09022015). Collection method: clinical testing. Allele origin: germline.
Comment: This variant is not present in population databases (gnomAD no frequency). In summary, the currently available evidence indicates that the variant is pathogenic, but additional data are needed to prove that conclusively. Therefore, this variant has been classified as Likely Pathogenic. This variant disrupts the triple helix domain of COL4A1. Glycine residues within the Gly-Xaa-Yaa repeats of the triple helix domain are required for the structure and stability of fibrillar collagens (PMID: 7695699, 8218237, 19344236). In COL4A1 variants affecting these glycine residues are significantly enriched in individuals with disease (PMID: 9016532, 17078022) compared to the general population (ExAC). Advanced modeling of protein sequence and biophysical properties (such as structural, functional, and spatial information, amino acid conservation, physicochemical variation, residue mobility, and thermodynamic stability) performed at Invitae indicates that this missense variant is expected to disrupt COL4A1 protein function. ClinVar contains an entry for this variant (Variation ID: 426414). This variant has not been reported in the literature in individuals affected with COL4A1-related conditions. This sequence change replaces glycine, which is neutral and non-polar, with arginine, which is basic and polar, at codon 1254 of the COL4A1 protein (p.Gly1254Arg).

GeneDx
Classification: Pathogenic. Last evaluated: 2019-03-25. Review status: criteria provided, single submitter. Criteria: GeneDx Variant Classification Process June 2021. Collection method: clinical testing. Allele origin: germline. Affected: yes.
Comment: In silico analyses, including protein predictors and evolutionary conservation, support a deleterious effect

Literature cited by the submitters: PubMed 7695699 (cited by Labcorp Genetics (formerly Invitae), Labcorp); PubMed 8218237 (cited by Labcorp Genetics (formerly Invitae), Labcorp); PubMed 19344236 (cited by Labcorp Genetics (formerly Invitae), Labcorp); PubMed 9016532 (cited by Labcorp Genetics (formerly Invitae), Labcorp); PubMed 17078022 (cited by Labcorp Genetics (formerly Invitae), Labcorp).